The following is an entry in ClinVar:

ClinVar aggregate classification (germline): Uncertain significance (1 of 4 stars; one submission).

Allele frequency attached by ClinVar (database versions not stated): gnomAD exomes below 0.00001.
gnomAD v4.1: 2 of 1,609,090 alleles (0.00012%); highest among the groups gnomAD compares: Admixed American, 0.0017%; no homozygotes.

Submission:

Labcorp Genetics (formerly Invitae), Labcorp
Classification: Uncertain significance. Last evaluated: 2022-08-19. Review status: criteria provided, single submitter. Criteria: Invitae Variant Classification Sherloc (09022015). Collection method: clinical testing. Allele origin: germline.
Comment: In summary, the available evidence is currently insufficient to determine the role of this variant in disease. Therefore, it has been classified as a Variant of Uncertain Significance. Algorithms developed to predict the effect of sequence changes on RNA splicing suggest that this variant may create or strengthen a splice site. Algorithms developed to predict the effect of missense changes on protein structure and function output the following: SIFT: "Tolerated"; PolyPhen-2: "Benign"; Align-GVGD: "Class C0". The glutamic acid amino acid residue is found in multiple mammalian species, which suggests that this missense change does not adversely affect protein function. This variant has not been reported in the literature in individuals affected with ASPM-related conditions. The frequency data for this variant in the population databases is considered unreliable, as metrics indicate poor data quality at this position in the gnomAD database. This sequence change replaces lysine, which is basic and polar, with glutamic acid, which is acidic and polar, at codon 2954 of the ASPM protein (p.Lys2954Glu).

NM_018136.5(ASPM):c.8860A>G (p.Lys2954Glu)

Gene: ASPM (assembly factor for spindle microtubules; minus strand). Cytogenetic location: 1q31.3.
Variant type: single nucleotide variant.
Coding change: c.8860A>G on transcript NM_018136.5 (MANE Select); coding-DNA position 8860, A replaced by G.
Protein change: p.Lys2954Glu; replaces lysine 2954 with glutamic acid.
Molecular consequence: missense variant.
Genome position (GRCh38, 1-based): chr1:197,096,125, T>C on the plus strand (A>G on the coding strand, the complement: ASPM is on the minus strand). VCF-style: chr1-197096125-T-C. GRCh37 (hg19) VCF-style: chr1-197065255-T-C.
Other names: c.4105A>G, p.Lys1369Glu (NM_001206846.2); short protein forms K1369E, K2954E.
Identifiers: ClinVar variation 1919585 (VCV001919585.5), dbSNP rs1238542925, ClinGen allele CA344009500.